The following is an entry in ClinVar:

NM_004260.4(RECQL4):c.1556A>C (p.Tyr519Ser)

Gene: RECQL4 (RecQ like helicase 4; minus strand). Cytogenetic location: 8q24.3.
Variant type: single nucleotide variant.
Coding change: c.1556A>C on transcript NM_004260.4 (MANE Select); coding-DNA position 1556, A replaced by C.
Protein change: p.Tyr519Ser; replaces tyrosine 519 with serine.
Molecular consequence: missense variant.
Genome position (GRCh38, 1-based): chr8:144,515,000, T>G on the plus strand (A>C on the coding strand, the complement: RECQL4 is on the minus strand). VCF-style: chr8-144515000-T-G. GRCh37 (hg19) VCF-style: chr8-145740384-T-G.
Other names: short protein forms Y519S.
Identifiers: ClinVar variation 1380055 (VCV001380055.6), dbSNP rs1038685366, ClinGen allele CA372683799.

ClinVar aggregate classification (germline): Uncertain significance (1 of 4 stars; one submission).

Conditions:
Baller-Gerold syndrome (BGS). Also called: CRANIOSYNOSTOSIS WITH RADIAL DEFECTS. Identifiers: Orphanet 1225, MedGen C0265308, MONDO:0009039, OMIM 218600.

gnomAD v4.1: 2 of 1,611,274 alleles (0.00012%); highest among the groups gnomAD compares: Non-Finnish European, 0.00017%; no homozygotes.

Submission:

Labcorp Genetics (formerly Invitae), Labcorp
Classification: Uncertain significance for Baller-Gerold syndrome. Last evaluated: 2021-09-07. Review status: criteria provided, single submitter. Criteria: Invitae Variant Classification Sherloc (09022015). Collection method: clinical testing. Allele origin: germline.
Comment: In summary, the available evidence is currently insufficient to determine the role of this variant in disease. Therefore, it has been classified as a Variant of Uncertain Significance. This variant has not been reported in the literature in individuals affected with RECQL4-related conditions. This variant is not present in population databases (ExAC no frequency). This sequence change replaces tyrosine with serine at codon 519 of the RECQL4 protein (p.Tyr519Ser). The tyrosine residue is highly conserved and there is a large physicochemical difference between tyrosine and serine.